The following is an entry in ClinVar:

ClinVar aggregate classification (germline): Benign/Likely benign. Review status: criteria provided, multiple submitters, no conflicts (2 of 4 stars). 21 submissions from 21 submitters: Benign (14); Likely benign (2). 5 of the submissions do not count toward it. Last evaluated 2026-03-27.

Conditions:
Cardiomyopathy (CMYO). Also called: Cardiomyopathies. Identifiers: Orphanet 167848, MedGen C0878544, MONDO:0004994, HP:0001638. Inheritance: Various modes of inheritance.
Duchenne muscular dystrophy (DMD). Also called: Duchenne Muscular Dystrophy (DMD); MUSCULAR DYSTROPHY, PSEUDOHYPERTROPHIC PROGRESSIVE, DUCHENNE TYPE. Identifiers: Orphanet 98896, MedGen C0013264, MONDO:0010679, OMIM 310200.
Dystrophin deficiency.
Becker muscular dystrophy (BMD). Also called: MUSCULAR DYSTROPHY, PSEUDOHYPERTROPHIC PROGRESSIVE, BECKER TYPE; Becker Muscular Dystrophy (BMD). Identifiers: Orphanet 98895, MedGen C0917713, MONDO:0010311, OMIM 300376.
Cardiovascular phenotype. Identifiers: MedGen CN230736.
Dilated cardiomyopathy 3B (CMD3B). Also called: CMD3B: DMD-Related Dilated Cardiomyopathy; CARDIOMYOPATHY, DILATED, X-LINKED; DMD-Associated Dilated Cardiomyopathy. Identifiers: Orphanet 154, MedGen C3668940, MONDO:0010542, OMIM 302045.

Allele frequency attached by ClinVar (database versions not stated): gnomAD exomes 0.01305 and 0.02093; gnomAD 0.02876 and 0.02790; 1000 Genomes Project 0.03576; ExAC 0.02190; TOPMed 0.03165; 1000 Genomes Project 30x 0.03600.
gnomAD v4.1: 17,601 of 1,209,357 alleles (1.5%); highest among the groups gnomAD compares: African/African-American, 6.8%; 183 homozygotes.

Submissions 1 to 24 of 38:

Molecular Diagnostic Laboratory for Inherited Cardiovascular Disease, Montreal Heart Institute
Classification: Benign. Last evaluated: 2026-03-27. Review status: criteria provided, single submitter. Criteria: ACMG Guidelines, 2015. Collection method: clinical testing. Allele origin: germline. Affected: no.

Labcorp Genetics (formerly Invitae), Labcorp
Classification: Benign for Duchenne muscular dystrophy. Last evaluated: 2026-02-04. Review status: criteria provided, single submitter. Criteria: Invitae Variant Classification Sherloc (09022015). Collection method: clinical testing. Allele origin: germline.

ARUP Laboratories, Molecular Genetics and Genomics, ARUP Laboratories
Classification: Benign. Last evaluated: 2025-07-08. Review status: criteria provided, single submitter. Criteria: ARUP Molecular Germline Variant Investigation Process 2024. Collection method: clinical testing. Allele origin: germline.

Blueprint Genetics
Classification: Benign. Last evaluated: 2024-11-28. Review status: criteria provided, single submitter. Criteria: ACMG Guidelines, 2015. Collection method: clinical testing. Allele origin: germline.

Mayo Clinic Laboratories, Mayo Clinic
Classification: Benign. Last evaluated: 2023-04-26. Review status: criteria provided, single submitter. Criteria: ACMG Guidelines, 2015. Collection method: clinical testing. Allele origin: germline. Observed: 44 variant alleles.
Comment: BA1, BP4

Pars Genome Lab
Classification: Benign for Duchenne muscular dystrophy. Last evaluated: 2021-05-18. Review status: criteria provided, single submitter. Criteria: ACMG Guidelines, 2015. Collection method: clinical testing. Allele origin: germline. Affected: no.

Women's Health and Genetics/Laboratory Corporation of America, LabCorp
Classification: Benign. Last evaluated: 2019-03-07. Review status: criteria provided, single submitter. Criteria: LabCorp Variant Classification Summary - May 2015. Collection method: clinical testing. Allele origin: germline.
Comment: Variant summary: DMD c.8729A>T (p.Glu2910Val) results in a non-conservative amino acid change located in a spectrin/alpha-actinin repeat (IPR018159) of the encoded protein sequence. Three of five in-silico tools predict a damaging effect of the variant on protein function. The variant allele was found at a frequency of 0.021 in 199997 control chromosomes in the gnomAD database, including 53 homozygotes and 1379 hemizygotes. The observed variant frequency is significantly higher than expected for a pathogenic variant in DMD causing Dystrophinopathies phenotype, strongly suggesting that the variant is benign. Seven ClinVar submissions from clinical diagnostic laboratories (evaluation after 2014) cite the variant as benign (6x) and once as likely benign. Based on the evidence outlined above, the variant was classified as benign.

Athena Diagnostics
Classification: Benign. Last evaluated: 2017-09-11. Review status: criteria provided, single submitter. Criteria: Athena Diagnostics Criteria. Collection method: clinical testing. Allele origin: germline.

Phosphorus, Inc.
Classification: Benign for Duchenne muscular dystrophy. Last evaluated: 2017-08-01. Review status: criteria provided, single submitter. Criteria: ACMG Guidelines, 2015. Collection method: clinical testing. Allele origin: germline. Observed: 2 variant alleles.

Illumina Laboratory Services, Illumina
Classification: Likely benign for Dilated cardiomyopathy 3B. Last evaluated: 2017-04-27. Review status: criteria provided, single submitter. Criteria: ICSL Variant Classification Criteria 13 December 2019. Collection method: clinical testing. Allele origin: germline.
Comment: This variant was observed as part of a predisposition screen in an ostensibly healthy population. A literature search was performed for the gene, cDNA change, and amino acid change (where applicable). No publications were found based on this search. Allele frequency data from public databases allowed determination this variant is unlikely to cause disease. Therefore, this variant is classified as likely benign.

Ambry Genetics
Classification: Benign for Cardiovascular phenotype. Last evaluated: 2015-10-23. Review status: criteria provided, single submitter. Criteria: Ambry Variant Classification Scheme 2023. Collection method: clinical testing. Allele origin: germline.

Laboratory for Molecular Medicine, Mass General Brigham Personalized Medicine
Classification: Benign. Last evaluated: 2015-03-21. Review status: criteria provided, single submitter. Criteria: LMM Criteria. Collection method: clinical testing. Allele origin: germline. Observed: 10 variant alleles.
Comment: p.Glu2910Val in exon 59 of DMD: This variant is not expected to have clinical si gnificance because it has been identified in 7.3% (768/10496) of African chromos omes by the Exome Aggregation Consortium (ExAC; dbSNP rs41305353).

Eurofins Ntd Llc (ga)
Classification: Benign. Last evaluated: 2014-08-08. Review status: criteria provided, single submitter. Criteria: EGL Classification Definitions 2015. Collection method: clinical testing. Allele origin: germline. Observed: 21 variant alleles, 9 heterozygotes, 1 homozygote, 11 hemizygotes.

GeneDx
Classification: Benign. Last evaluated: 2014-01-17. Review status: criteria provided, single submitter. Criteria: GeneDx Variant Classification (06012015). Collection method: clinical testing. Allele origin: germline. Affected: yes.
Comment: This variant is considered likely benign or benign based on one or more of the following criteria: it is a conservative change, it occurs at a poorly conserved position in the protein, it is predicted to be benign by multiple in silico algorithms, and/or has population frequency not consistent with disease.

Breakthrough Genomics
Classification: Likely benign. Review status: criteria provided, single submitter. Criteria: ACMG Guidelines, 2015. Collection method: not provided. Allele origin: germline. Inheritance: X-linked inheritance. Affected: yes.

PreventionGenetics, part of Exact Sciences
Classification: Benign. Review status: criteria provided, single submitter. Criteria: ACMG Guidelines, 2015. Collection method: clinical testing. Allele origin: germline.

Natera, Inc.
Classification: Benign for Becker muscular dystrophy; Cardiomyopathy; Duchenne muscular dystrophy; Dystrophin deficiency. Last evaluated: 2017-08-09. Review status: no assertion criteria provided. Collection method: clinical testing. Allele origin: germline. Not counted in ClinVar's aggregate classification.

OMIM
Classification: Uncertain significance for RECLASSIFIED - VARIANT OF UNKNOWN SIGNIFICANCE. Last evaluated: 1994-09-01. Review status: no assertion criteria provided. Collection method: literature only. Allele origin: germline. Not counted in ClinVar's aggregate classification.

Diagnostic Laboratory, Department of Genetics, University Medical Center Groningen
Classification: Benign. Review status: no assertion criteria provided. Collection method: clinical testing. Allele origin: germline. Affected: yes. Study: VKGL Data-share Consensus. Not counted in ClinVar's aggregate classification.

Dr. Peter K. Rogan Lab, Western University
No classification provided (evidence only). Condition: Clear cell carcinoma of kidney. Review status: no classification provided. Collection method: in vitro. Allele origin: not applicable. Functional consequence: retained intron. Not counted in ClinVar's aggregate classification.

Dr. Peter K. Rogan Lab, Western University
No classification provided (evidence only). Condition: Lung cancer. Review status: no classification provided. Collection method: in vitro. Allele origin: not applicable. Functional consequence: retained intron. Not counted in ClinVar's aggregate classification.

Dr. Peter K. Rogan Lab, Western University
No classification provided (evidence only). Condition: Lung cancer. Review status: no classification provided. Collection method: in vitro. Allele origin: not applicable. Functional consequence: retained intron. Not counted in ClinVar's aggregate classification.

Dr. Peter K. Rogan Lab, Western University
No classification provided (evidence only). Condition: Melanoma. Review status: no classification provided. Collection method: in vitro. Allele origin: not applicable. Functional consequence: retained intron. Not counted in ClinVar's aggregate classification.

Dr. Peter K. Rogan Lab, Western University
No classification provided (evidence only). Condition: Melanoma. Review status: no classification provided. Collection method: in vitro. Allele origin: not applicable. Functional consequence: retained intron. Not counted in ClinVar's aggregate classification.

NM_004006.3(DMD):c.8729A>T (p.Glu2910Val)

Gene: DMD (dystrophin; minus strand). Cytogenetic location: Xp21.2.
Variant type: single nucleotide variant.
Coding change: c.8729A>T on transcript NM_004006.3 (MANE Select); coding-DNA position 8729, A replaced by T.
Protein change: p.Glu2910Val; replaces glutamic acid 2910 with valine.
Molecular consequence: missense variant.
Genome position (GRCh38, 1-based): chrX:31,478,314, T>A on the plus strand (A>T on the coding strand, the complement: DMD is on the minus strand). VCF-style: chrX-31478314-T-A. GRCh37 (hg19) VCF-style: chrX-31496431-T-A.
Other names: p.E2910V:GAG>GTG; c.8717A>T, p.Glu2906Val (NM_004009.3); c.8360A>T, p.Glu2787Val (NM_004010.3); c.4706A>T, p.Glu1569Val (NM_004011.4); c.4697A>T, p.Glu1566Val (NM_004012.4); c.1349A>T, p.Glu450Val (NM_004013.3, NM_004020.4, NM_004021.3 and 2 more transcripts); c.542A>T, p.Glu181Val (NM_004014.3); c.8705A>T, p.Glu2902Val (NM_000109.4); short protein forms E2910V, E1566V, E2902V, E2906V, E450V, E181V, E2787V, E1569V.
Identifiers: ClinVar variation 11267 (VCV000011267.50), dbSNP rs41305353, ClinGen allele CA285620.
Genomic context (GRCh38, chrX:31,478,314, plus strand): 5'-TCTATTTTTCTCTGCCAGTCAGCGGAGTGCAGGTTCAATTTTTCCCACTCAGTATTGACC[T>A]CCTCAGCCTGCTTTCGTAGAAGCCGAGTGACATTCTGGGCTCTCTCCTCAGGAGGCAGCT-3'
Protein context (NP_003997.2, residues 2900-2920): VTRLLRKQAE[Glu2910Val]VNTEWEKLNL